The following is an entry in ClinVar:

ClinVar aggregate classification (germline): Uncertain significance (1 of 4 stars; one submission).

Submission:

Labcorp Genetics (formerly Invitae), Labcorp
Classification: Uncertain significance. Last evaluated: 2024-06-20. Review status: criteria provided, single submitter. Criteria: Invitae Variant Classification Sherloc (09022015). Collection method: clinical testing. Allele origin: germline.
Comment: This sequence change falls in intron 1 of the ICOSLG gene. It does not directly change the encoded amino acid sequence of the ICOSLG protein. It affects a nucleotide within the consensus splice site. This variant is not present in population databases (gnomAD no frequency). This variant has not been reported in the literature in individuals affected with ICOSLG-related conditions. Variants that disrupt the consensus splice site are a relatively common cause of aberrant splicing (PMID: 17576681, 9536098). Algorithms developed to predict the effect of sequence changes on RNA splicing suggest that this variant is not likely to affect RNA splicing. In summary, the available evidence is currently insufficient to determine the role of this variant in disease. Therefore, it has been classified as a Variant of Uncertain Significance.

Literature cited by the submitters: PubMed 17576681; PubMed 9536098.

NM_015259.6(ICOSLG):c.14+6C>T

Genes: ICOSLG (inducible T cell costimulator ligand; minus strand), LOC128462416 (CRISPRi-FlowFISH-validated ICOSLG and IFNGR2 regulatory element GRCh37_chr21:45660637-45661636; plus strand). Cytogenetic location: 21q22.3.
Variant type: single nucleotide variant.
Coding change: c.14+6C>T on transcript NM_015259.6 (MANE Select); 6 bases into the intron after coding-DNA position 14, C replaced by T.
Molecular consequence: intron variant.
Genome position (GRCh38, 1-based): chr21:44,240,798, G>A on the plus strand (C>T on the coding strand, the complement: ICOSLG is on the minus strand). VCF-style: chr21-44240798-G-A. GRCh37 (hg19) VCF-style: chr21-45660681-G-A.
Other names: c.14+6C>T (NM_001283051.2, NM_001283050.2, NM_001395918.1); c.-90+6C>T (NM_001283052.2); c.-404+6C>T (NM_001365759.2).
Identifiers: ClinVar variation 3614588 (VCV003614588.2).